The following is an entry in ClinVar:

ClinVar aggregate classification (germline): Uncertain significance (1 of 4 stars; one submission).

Conditions:
Leber congenital amaurosis 2 (LCA2). Also called: AMAUROSIS CONGENITA OF LEBER II; Autosomal Recessive RPE65-Related Retinal Degeneration. Identifiers: Orphanet 65, MedGen C1859844, MONDO:0008765, OMIM 204100. Disease mechanism: loss of function.
Retinitis pigmentosa 20 (RP20). Identifiers: Orphanet 791, MedGen C3151086, MONDO:0013425, OMIM 613794.

Submission:

Labcorp Genetics (formerly Invitae), Labcorp
Classification: Uncertain significance for Leber congenital amaurosis 2; Retinitis pigmentosa 20. Last evaluated: 2021-01-14. Review status: criteria provided, single submitter. Criteria: Invitae Variant Classification Sherloc (09022015). Collection method: clinical testing. Allele origin: germline.
Comment: This variant, c.1201_1203dup, results in the insertion of 1 amino acid(s) to the RPE65 protein (p.Ile401dup), but otherwise preserves the integrity of the reading frame. This variant is not present in population databases (ExAC no frequency). This variant has not been reported in the literature in individuals with RPE65-related conditions. Experimental studies and prediction algorithms are not available or were not evaluated, and the functional significance of this variant is currently unknown. In summary, the available evidence is currently insufficient to determine the role of this variant in disease. Therefore, it has been classified as a Variant of Uncertain Significance.

NM_000329.3(RPE65):c.1201_1203dup (p.Ile401dup)

Gene: RPE65 (retinoid isomerohydrolase RPE65; minus strand). Cytogenetic location: 1p31.3.
Variant type: Duplication.
Coding change: c.1201_1203dup on transcript NM_000329.3 (MANE Select); coding-DNA positions 1201 to 1203, 3 bases duplicated (ATC; older notation c.1201_1203dupATC).
Protein change: p.Ile401dup; duplicates isoleucine 401.
Molecular consequence: inframe insertion.
Genome position (GRCh38, 1-based): chr1:68,431,511-68,431,513, GAT duplicated on the plus strand (ATC on the coding strand, the reverse complement: RPE65 is on the minus strand). VCF-style (leftmost placement, unchanged base first): chr1-68431510-A-AGAT. GRCh37 (hg19) VCF-style: chr1-68897193-A-AGAT.
Identifiers: ClinVar variation 1057958 (VCV001057958.9), dbSNP rs2100807868, ClinGen allele CA2499214852.